The following is an entry in ClinVar:

NM_001270508.2(TNFAIP3):c.2239G>A (p.Ala747Thr)

Gene: TNFAIP3 (TNF alpha induced protein 3; plus strand). Cytogenetic location: 6q23.3.
Variant type: single nucleotide variant.
Coding change: c.2239G>A on transcript NM_001270508.2 (MANE Select); coding-DNA position 2239, G replaced by A.
Protein change: p.Ala747Thr; replaces alanine 747 with threonine.
Molecular consequence: missense variant.
Genome position (GRCh38, 1-based): chr6:137,881,185, G>A. VCF-style: chr6-137881185-G-A. GRCh37 (hg19) VCF-style: chr6-138202322-G-A.
Other names: c.2239G>A, p.Ala747Thr (NM_001270507.2, NM_006290.4); short protein forms A747T.
Identifiers: ClinVar variation 2775870 (VCV002775870.3), dbSNP rs1397420807, ClinGen allele CA365797683.

ClinVar aggregate classification (germline): Uncertain significance (1 of 4 stars; one submission).

Allele frequency attached by ClinVar (database versions not stated): gnomAD exomes below 0.00001.
gnomAD v4.1: 2 of 1,613,744 alleles (0.00012%); highest among the groups gnomAD compares: Non-Finnish European, 0.00017%; no homozygotes.

Submission:

Labcorp Genetics (formerly Invitae), Labcorp
Classification: Uncertain significance. Last evaluated: 2025-07-31. Review status: criteria provided, single submitter. Criteria: Invitae Variant Classification Sherloc (09022015). Collection method: clinical testing. Allele origin: germline.
Comment: This sequence change replaces alanine, which is neutral and non-polar, with threonine, which is neutral and polar, at codon 747 of the TNFAIP3 protein (p.Ala747Thr). This variant is not present in population databases (gnomAD no frequency). This variant has not been reported in the literature in individuals affected with TNFAIP3-related conditions. ClinVar contains an entry for this variant (Variation ID: 2775870). An algorithm developed to predict the effect of missense changes on protein structure and function outputs the following: PolyPhen-2: "Benign". The threonine amino acid residue is found in multiple mammalian species, which suggests that this missense change does not adversely affect protein function. In summary, the available evidence is currently insufficient to determine the role of this variant in disease. Therefore, it has been classified as a Variant of Uncertain Significance.